The following is an entry in ClinVar:

ClinVar aggregate classification (germline): Uncertain significance (1 of 4 stars; one submission).

Conditions:
Inborn genetic diseases. Identifiers: MedGen C0950123, MeSH D030342.

gnomAD v4.1: 1 of 1,614,156 alleles (0.000062%); highest among the groups gnomAD compares: Non-Finnish European, 0.000085%; no homozygotes.

Submission:

Ambry Genetics
Classification: Uncertain significance for Inborn genetic diseases. Last evaluated: 2026-03-08. Review status: criteria provided, single submitter. Criteria: Ambry Variant Classification Scheme 2023. Collection method: clinical testing. Allele origin: germline.
Comment: The p.L137P variant (also known as c.410T>C), located in coding exon 4 of the FANCA gene, results from a T to C substitution at nucleotide position 410. The leucine at codon 137 is replaced by proline, an amino acid with similar properties. This amino acid position is conserved. In addition, this alteration is predicted to be deleterious by in silico analysis. Based on the available evidence, the clinical significance of this variant remains unclear.

NM_000135.4(FANCA):c.410T>C (p.Leu137Pro)

Gene: FANCA (FA complementation group A; minus strand). Cytogenetic location: 16q24.3.
Variant type: single nucleotide variant.
Coding change: c.410T>C on transcript NM_000135.4 (MANE Select); coding-DNA position 410, T replaced by C.
Protein change: p.Leu137Pro; replaces leucine 137 with proline.
Molecular consequence: missense variant.
Genome position (GRCh38, 1-based): chr16:89,810,945, A>G on the plus strand (T>C on the coding strand, the complement: FANCA is on the minus strand). VCF-style: chr16-89810945-A-G. GRCh37 (hg19) VCF-style: chr16-89877353-A-G.
Other names: c.410T>C, p.Leu137Pro (NM_001018112.3, NM_001286167.3, NM_001351830.2); short protein forms L137P.
Identifiers: ClinVar variation 4826916 (VCV004826916.1).